The following is an entry in ClinVar:

ClinVar aggregate classification (germline): Pathogenic. Review status: criteria provided, single submitter (1 of 4 stars). 2 submissions from 2 submitters: Pathogenic (1). 1 of the submissions does not count toward it. Last evaluated 2022-02-19.

Conditions:
Bardet-Biedl syndrome (BBS). Identifiers: Orphanet 110, MedGen C0752166, MONDO:0015229.
McKusick-Kaufman syndrome (MKKS). Also called: HYDROMETROCOLPOS SYNDROME; HYDROMETROCOLPOS, POSTAXIAL POLYDACTYLY, AND CONGENITAL HEART MALFORMATION. Identifiers: Orphanet 2473, MedGen C0948368, MONDO:0009367, OMIM 236700.
MKKS-related disorder. Also called: MKKS-related condition; MKKS-related disorders.

Allele frequency attached by ClinVar (database versions not stated): gnomAD exomes 0.00001.
gnomAD v4.1: 16 of 1,612,106 alleles (0.00099%); highest among the groups gnomAD compares: East Asian, 0.016%; no homozygotes.

Submissions (2):

Labcorp Genetics (formerly Invitae), Labcorp
Classification: Pathogenic for McKusick-Kaufman syndrome; Bardet-Biedl syndrome. Last evaluated: 2022-02-19. Review status: criteria provided, single submitter. Criteria: Invitae Variant Classification Sherloc (09022015). Collection method: clinical testing. Allele origin: germline.
Comment: This sequence change affects a donor splice site in intron 5 of the MKKS gene. While this variant is not anticipated to result in nonsense mediated decay, it likely alters RNA splicing and results in a disrupted protein product. This variant is not present in population databases (gnomAD no frequency). This variant has not been reported in the literature in individuals affected with MKKS-related conditions. Variants that disrupt the consensus splice site are a relatively common cause of aberrant splicing (PMID: 17576681, 9536098). Algorithms developed to predict the effect of sequence changes on RNA splicing suggest that this variant may disrupt the consensus splice site. This variant disrupts a region of the MKKS protein in which other variant(s) (p.Ser479*) have been determined to be pathogenic (PMID: 15770229, 33138063). This suggests that this is a clinically significant region of the protein, and that variants that disrupt it are likely to be disease-causing. For these reasons, this variant has been classified as Pathogenic.

PreventionGenetics, part of Exact Sciences
Classification: Likely pathogenic for MKKS-related condition. Last evaluated: 2024-01-04. Review status: no assertion criteria provided. Collection method: clinical testing. Allele origin: germline. Not counted in ClinVar's aggregate classification.
Comment: The MKKS c.1272+2T>C variant is predicted to disrupt the GT donor site and interfere with normal splicing. To our knowledge, this variant has not been reported in the literature or in a large population database, indicating this variant is rare. Variants that disrupt the consensus splice donor site in MKKS are expected to be pathogenic. This variant is interpreted as likely pathogenic.

Literature cited by the submitters: PubMed 17576681 (cited by Labcorp Genetics (formerly Invitae), Labcorp); PubMed 9536098 (cited by Labcorp Genetics (formerly Invitae), Labcorp); PubMed 15770229 (cited by Labcorp Genetics (formerly Invitae), Labcorp); PubMed 33138063 (cited by Labcorp Genetics (formerly Invitae), Labcorp).

NM_170784.3(MKKS):c.1272+2T>C

Gene: MKKS (MKKS centrosomal shuttling protein; minus strand). Cytogenetic location: 20p12.2.
Variant type: single nucleotide variant.
Coding change: c.1272+2T>C on transcript NM_170784.3 (MANE Select); the canonical splice donor site of the intron after coding-DNA position 1272, T replaced by C.
Molecular consequence: splice donor variant.
Genome position (GRCh38, 1-based): chr20:10,407,614, A>G on the plus strand (T>C on the coding strand, the complement: MKKS is on the minus strand). VCF-style: chr20-10407614-A-G. GRCh37 (hg19) VCF-style: chr20-10388262-A-G.
Other names: c.1272+2T>C (NM_018848.3).
Identifiers: ClinVar variation 2154926 (VCV002154926.5), dbSNP rs2064851971, ClinGen allele CA408231270.